The following is an entry in ClinVar:

ClinVar aggregate classification (germline): Uncertain significance (1 of 4 stars; one submission).

Conditions:
SEMA3C-related disorder. Also called: SEMA3C-related condition.

gnomAD v4.1: 26 of 1,613,308 alleles (0.0016%); highest among the groups gnomAD compares: Admixed American, 0.0033%; no homozygotes.

Submission:

PreventionGenetics, part of Exact Sciences
Classification: Uncertain significance for SEMA3C-related condition. Last evaluated: 2026-09-21. Review status: criteria provided, single submitter. Criteria: ACMG Guidelines, 2015. Collection method: clinical testing. Allele origin: germline.
Comment: The SEMA3C c.76G>A variant is predicted to result in the amino acid substitution p.Val26Met. To our knowledge, this variant has not been reported in the literature. This variant is reported in 0.0029% of alleles in individuals of Latino descent in gnomAD. At this time, the clinical significance of this variant is uncertain due to the absence of conclusive functional and genetic evidence.

NM_006379.5(SEMA3C):c.22G>A (p.Val8Met)

Gene: SEMA3C (semaphorin 3C; minus strand). Cytogenetic location: 7q21.11.
Variant type: single nucleotide variant.
Coding change: c.22G>A on transcript NM_006379.5 (MANE Select); coding-DNA position 22, G replaced by A.
Protein change: p.Val8Met; replaces valine 8 with methionine.
Molecular consequence: missense variant. On other transcripts: 5 prime UTR variant (1).
Genome position (GRCh38, 1-based): chr7:80,916,760, C>T on the plus strand (G>A on the coding strand, the complement: SEMA3C is on the minus strand). VCF-style: chr7-80916760-C-T. GRCh37 (hg19) VCF-style: chr7-80546076-C-T.
Other names: c.76G>A, p.Val26Met (NM_001350120.2); c.-241G>A (NM_001350121.2); short protein forms V26M, V8M.
Identifiers: ClinVar variation 3032465 (VCV003032465.3), dbSNP rs745820276, ClinGen allele CA161500210.
Genomic context (GRCh38, chr7:80,916,760, plus strand): 5'-TTGCTTGGGGCTGGGAAGATCCTTTCACACAGATAGAACAAATAAATACTCCAACCAACA[C>T]GCAAATTGTCCGGAATGCCATTTCTTCAGATATGCAAGTTAATATCCAAGGGAAAATACC-3'
Protein context (NP_006370.1, residues 1-18): MAFRTIC[Val8Met]LVGVFICSIC